The following is an entry in ClinVar:

ClinVar aggregate classification (germline): Uncertain significance (1 of 4 stars; one submission).

Submission:

Labcorp Genetics (formerly Invitae), Labcorp
Classification: Uncertain significance. Last evaluated: 2022-08-15. Review status: criteria provided, single submitter. Criteria: Invitae Variant Classification Sherloc (09022015). Collection method: clinical testing. Allele origin: germline.
Comment: This sequence change replaces lysine, which is basic and polar, with asparagine, which is neutral and polar, at codon 52 of the CAPN5 protein (p.Lys52Asn). This variant is not present in population databases (gnomAD no frequency). This variant has not been reported in the literature in individuals affected with CAPN5-related conditions. ClinVar contains an entry for this variant (Variation ID: 1011940). Algorithms developed to predict the effect of missense changes on protein structure and function are either unavailable or do not agree on the potential impact of this missense change (SIFT: "Deleterious"; PolyPhen-2: "Possibly Damaging"; Align-GVGD: "Class C0"). In summary, the available evidence is currently insufficient to determine the role of this variant in disease. Therefore, it has been classified as a Variant of Uncertain Significance.

NM_004055.5(CAPN5):c.156G>T (p.Lys52Asn)

Gene: CAPN5 (calpain 5; plus strand). Cytogenetic location: 11q13.5.
Variant type: single nucleotide variant.
Coding change: c.156G>T on transcript NM_004055.5 (MANE Select); coding-DNA position 156, G replaced by T.
Protein change: p.Lys52Asn; replaces lysine 52 with asparagine.
Molecular consequence: missense variant.
Genome position (GRCh38, 1-based): chr11:77,085,042, G>T. VCF-style: chr11-77085042-G-T. GRCh37 (hg19) VCF-style: chr11-76796088-G-T.
Other names: short protein forms K52N.
Identifiers: ClinVar variation 1011940 (VCV001011940.8), dbSNP rs1950070679, ClinGen allele CA381927604.
Genomic context (GRCh38, chr11:77,085,042, plus strand): 5'-CCCCGCCACTGACGACTCACTCTACTATAAGGGCACGCCGGGGCCCGCCGTCAGGTGGAA[G>T]CGACCCAAGGTCAGTGTCTGGTCCCAGCTGGAGCTGGGTGAGCGGGCCCAGGCCCACCCA-3'
Protein context (NP_004046.2, residues 42-62): KGTPGPAVRW[Lys52Asn]RPKGICEDPR